The following is an entry in ClinVar:

NM_018082.6(POLR3B):c.1580G>T (p.Cys527Phe)

Gene: POLR3B (RNA polymerase III subunit B; plus strand). Cytogenetic location: 12q23.3.
Variant type: single nucleotide variant.
Coding change: c.1580G>T on transcript NM_018082.6 (MANE Select); coding-DNA position 1580, G replaced by T.
Protein change: p.Cys527Phe; replaces cysteine 527 with phenylalanine.
Molecular consequence: missense variant.
Genome position (GRCh38, 1-based): chr12:106,432,433, G>T. VCF-style: chr12-106432433-G-T. GRCh37 (hg19) VCF-style: chr12-106826211-G-T.
Other names: NM_001160708.2:c.1406G>T; c.1406G>T, p.Cys469Phe (NM_001160708.2); short protein forms C469F, C527F.
Identifiers: ClinVar variation 2412775 (VCV002412775.1), dbSNP rs755422501, ClinGen allele CA6761966.

ClinVar aggregate classification (germline): Uncertain significance (1 of 4 stars; one submission).

Conditions:
Leukodystrophy, hypomyelinating, 8, with or without oligodontia and/or hypogonadotropic hypogonadism. Also called: Endosteal sclerosis-cerebellar hypoplasia syndrome; Hypomyelinating leukodystrophy 8 with or without oligodontia and-or hypogonadotropic hypogonadism; LEUKODYSTROPHY, HYPOMYELINATING, 8, WITH HYPODONTIA AND HYPOGONADOTROPIC HYPOGONADISM. Identifiers: Orphanet 85186, Orphanet 88637, MedGen C3280644, MONDO:0013722, OMIM 614381.

Allele frequency attached by ClinVar (database versions not stated): TOPMed below 0.00001; gnomAD exomes 0.00001; ExAC 0.00003.
gnomAD v4.1: 4 of 1,613,274 alleles (0.00025%); highest among the groups gnomAD compares: Non-Finnish European, 0.00034%; no homozygotes.

Submission:

Broad Center for Mendelian Genomics, Broad Institute of MIT and Harvard
Classification: Uncertain significance for Leukodystrophy, hypomyelinating, 8, with or without oligodontia and/or hypogonadotropic hypogonadism. Last evaluated: 2022-02-24. Review status: criteria provided, single submitter. Criteria: ACMG Guidelines, 2015. Collection method: curation. Allele origin: germline. Inheritance: Autosomal recessive inheritance.
Comment: The p.Cys527Phe variant in POLR3B has been reported in 1 individual in the compound heterozygous state with 4H leukodystrophy (PMID: 33726816) and has been identified in 0.004% (1/25124) of European (Finnish) chromosomes by the Genome Aggregation Database (gnomAD; dbSNP ID: rs755422501). Although this variant has been seen in the general population in a heterozygous state, its frequency is low enough to be consistent with a recessive carrier frequency. Computational prediction tools and conservation analyses do not provide strong support for or against an impact to the protein. The number of missense variants reported in POLR3B in the general population is lower than expected, suggesting there is little benign variation in this gene and slightly increasing the possibility that a missense variant in this gene may not be tolerated. In summary, the clinical significance of the p.Cys527Phe variant is uncertain. ACMG/AMP Criteria applied: PM2_supporting, PP2 (Richards 2015).